The following is an entry in ClinVar:

NM_014319.5(LEMD3):c.893C>G (p.Thr298Ser)

Gene: LEMD3 (LEM domain containing 3; plus strand). Cytogenetic location: 12q14.3.
Variant type: single nucleotide variant.
Coding change: c.893C>G on transcript NM_014319.5 (MANE Select); coding-DNA position 893, C replaced by G.
Protein change: p.Thr298Ser; replaces threonine 298 with serine.
Molecular consequence: missense variant.
Genome position (GRCh38, 1-based): chr12:65,170,489, C>G. VCF-style: chr12-65170489-C-G. GRCh37 (hg19) VCF-style: chr12-65564269-C-G.
Other names: c.893C>G, p.Thr298Ser (NM_001167614.2); short protein forms T298S.
Identifiers: ClinVar variation 3677709 (VCV003677709.2).

ClinVar aggregate classification (germline): Uncertain significance (1 of 4 stars; one submission).

gnomAD v4.1: 6 of 1,614,004 alleles (0.00037%); highest among the groups gnomAD compares: Non-Finnish European, 0.00051%; no homozygotes.

Submission:

Labcorp Genetics (formerly Invitae), Labcorp
Classification: Uncertain significance. Last evaluated: 2024-05-15. Review status: criteria provided, single submitter. Criteria: Invitae Variant Classification Sherloc (09022015). Collection method: clinical testing. Allele origin: germline.
Comment: This sequence change replaces threonine, which is neutral and polar, with serine, which is neutral and polar, at codon 298 of the LEMD3 protein (p.Thr298Ser). This variant is not present in population databases (gnomAD no frequency). This variant has not been reported in the literature in individuals affected with LEMD3-related conditions. Advanced modeling of protein sequence and biophysical properties (such as structural, functional, and spatial information, amino acid conservation, physicochemical variation, residue mobility, and thermodynamic stability) performed at Invitae indicates that this missense variant is not expected to disrupt LEMD3 protein function with a negative predictive value of 80%. In summary, the available evidence is currently insufficient to determine the role of this variant in disease. Therefore, it has been classified as a Variant of Uncertain Significance.